The following is an entry in ClinVar:

NM_005327.7(HADH):c.384C>T (p.Asn128=)

Gene: HADH (hydroxyacyl-CoA dehydrogenase; plus strand). Cytogenetic location: 4q25.
Variant type: single nucleotide variant.
Coding change: c.384C>T on transcript NM_005327.7 (MANE Select); coding-DNA position 384, C replaced by T.
Protein change: p.Asn128=; no amino-acid change (asparagine 128 retained).
Molecular consequence: synonymous variant.
Genome position (GRCh38, 1-based): chr4:108,014,553, C>T. VCF-style: chr4-108014553-C-T. GRCh37 (hg19) VCF-style: chr4-108935709-C-T.
Other names: c.384C>T, p.Asn128= (NM_001184705.4); c.396C>T, p.Asn132= (NM_001331027.2).
Identifiers: ClinVar variation 760143 (VCV000760143.8), dbSNP rs369550874, ClinGen allele CA3037444.

ClinVar aggregate classification (germline): Benign/Likely benign. Review status: criteria provided, multiple submitters, no conflicts (2 of 4 stars). 2 submissions from 2 submitters: Benign (1); Likely benign (1). Last evaluated 2025-12-03.

Conditions:
Hyperinsulinemic hypoglycemia. Also called: Hyperinsulinemia hypoglycemia; Hyperinsulinemic hypoglycemia (disease). Identifiers: Orphanet 443095, MedGen C1864903, MONDO:0005803, HP:0000825.
Deficiency of 3-hydroxyacyl-CoA dehydrogenase. Also called: HADH DEFICIENCY; 3-hydroxyacyl-CoA dehydrogenase deficiency. Identifiers: Orphanet 309127, Orphanet 71212, MedGen C1291230, MONDO:0017715, OMIM 231530.

Allele frequency attached by ClinVar (database versions not stated): gnomAD exomes 0.00002 and 0.00003; ExAC 0.00004; gnomAD 0.00004; TOPMed 0.00004; ESP Exome Variant Server 0.00008.
gnomAD v4.1: 30 of 1,613,792 alleles (0.0019%); highest among the groups gnomAD compares: African/African-American, 0.004%; no homozygotes.

Submissions (2):

Labcorp Genetics (formerly Invitae), Labcorp
Classification: Likely benign for Deficiency of 3-hydroxyacyl-CoA dehydrogenase. Last evaluated: 2025-12-03. Review status: criteria provided, single submitter. Criteria: Invitae Variant Classification Sherloc (09022015). Collection method: clinical testing. Allele origin: germline.

Clinical Genomics, Uppaluri K&H Personalized Medicine Clinic
Classification: Benign for Hyperinsulinemic hypoglycemia. Review status: criteria provided, single submitter. Criteria: K & H Uppaluri Personalized Medicine Clinic Variant Classification & Assertion Criteria_Updated V.1. Collection method: research. Allele origin: unknown. Inheritance: Autosomal recessive inheritance.
Comment: Potent mutations in HADH gene are associated with congenital hyperinsulinism, which leads to recurrent hypoglycemia. The condition is exacerbated by stress, fasting or excessive dietary protein. May respond well to diazoxide. However, the role of this particular variant rs369550874 in congenital hyperinsulinism is yet to be ascertained.

Literature cited by the submitters: PubMed 34547194 (cited by Clinical Genomics, Uppaluri K&H Personalized Medicine Clinic); PubMed 34055426 (cited by Clinical Genomics, Uppaluri K&H Personalized Medicine Clinic); PubMed 29280746 (cited by Clinical Genomics, Uppaluri K&H Personalized Medicine Clinic).